The following is an entry in ClinVar:

ClinVar aggregate classification (germline): Benign/Likely benign. Review status: criteria provided, multiple submitters, no conflicts (2 of 4 stars). 5 submissions from 5 submitters: Benign (1); Likely benign (3). 1 of the submissions does not count toward it. Last evaluated 2026-01-17.

Conditions:
CASP10-related disorder. Also called: CASP10-related condition.
Autoimmune lymphoproliferative syndrome type 2A (ALPS2A). Also called: Autoimmune lymphoproliferative syndrome type 2; CASP10-Related Autoimmune Lymphoproliferative Syndrome; AUTOIMMUNE LYMPHOPROLIFERATIVE SYNDROME, TYPE IIA. Identifiers: Orphanet 3261, MedGen C1858968, MONDO:0011383, OMIM 603909.

Allele frequency attached by ClinVar (database versions not stated): 1000 Genomes Project 30x 0.00016; TOPMed 0.00018; 1000 Genomes Project 0.00020; ESP Exome Variant Server 0.00031.
gnomAD v4.1: 256 of 1,614,170 alleles (0.016%); highest among the groups gnomAD compares: Middle Eastern, 0.099%; no homozygotes.

Submissions (5):

Labcorp Genetics (formerly Invitae), Labcorp
Classification: Likely benign for Autoimmune lymphoproliferative syndrome type 2A. Last evaluated: 2026-01-17. Review status: criteria provided, single submitter. Criteria: Invitae Variant Classification Sherloc (09022015). Collection method: clinical testing. Allele origin: germline.

Blueprint Genetics
Classification: Likely benign. Last evaluated: 2024-10-24. Review status: criteria provided, single submitter. Criteria: ACMG Guidelines, 2015. Collection method: clinical testing. Allele origin: germline.

CeGaT Center for Human Genetics Tuebingen
Classification: Likely benign. Last evaluated: 2024-02-01. Review status: criteria provided, single submitter. Criteria: CeGaT Center For Human Genetics Tuebingen Variant Classification Criteria Version 2. Collection method: clinical testing. Allele origin: germline. Affected: yes. Observed: 3 variant alleles.
Comment: CASP10: BP4, BP7

Illumina Laboratory Services, Illumina
Classification: Benign for Autoimmune lymphoproliferative syndrome type 2A. Last evaluated: 2018-01-13. Review status: criteria provided, single submitter. Criteria: ICSL Variant Classification Criteria 13 December 2019. Collection method: clinical testing. Allele origin: germline.
Comment: This variant was observed in the ICSL laboratory as part of a predisposition screen in an ostensibly healthy population. It had not been previously curated by ICSL or reported in the Human Gene Mutation Database (HGMD: prior to June 1st, 2018), and was therefore a candidate for classification through an automated scoring system. Utilizing variant allele frequency, disease prevalence and penetrance estimates, and inheritance mode, an automated score was calculated to assess if this variant is too frequent to cause the disease. Based on the score and internal cut-off values, a variant classified as benign is not then subjected to further curation. The score for this variant resulted in a classification of benign for this disease.

PreventionGenetics, part of Exact Sciences
Classification: Likely benign for CASP10-related condition. Last evaluated: 2023-12-04. Review status: no assertion criteria provided. Collection method: clinical testing. Allele origin: germline. Not counted in ClinVar's aggregate classification.
Comment: This variant is classified as likely benign based on ACMG/AMP sequence variant interpretation guidelines (Richards et al. 2015 PMID: 25741868, with internal and published modifications).

NM_032977.4(CASP10):c.174C>T (p.Ala58=)

Gene: CASP10 (caspase 10; plus strand). Cytogenetic location: 2q33.1.
Variant type: single nucleotide variant.
Coding change: c.174C>T on transcript NM_032977.4 (MANE Select); coding-DNA position 174, C replaced by T.
Protein change: p.Ala58=; no amino-acid change (alanine 58 retained).
Molecular consequence: synonymous variant.
Genome position (GRCh38, 1-based): chr2:201,185,951, C>T. VCF-style: chr2-201185951-C-T. GRCh37 (hg19) VCF-style: chr2-202050674-C-T.
Other names: c.174C>T, p.Ala58= (NM_001206524.2, NM_001206542.2, NM_001230.5 and 3 more transcripts).
Identifiers: ClinVar variation 333417 (VCV000333417.56), dbSNP rs114625983, ClinGen allele CA2052788.
Genomic context (GRCh38, chr2:201,185,951, plus strand): 5'-CCTCAAGTTTCTCTGCATAGGATTGGTCCCCAACAAGAAGCTGGAGAAGTCCAGCTCAGC[C>T]TCAGATGTTTTTGAACATCTCTTGGCAGAGGATCTGCTGAGTGAGGAAGACCCTTTCTTC-3'
Protein context (NP_116759.2, residues 48-68): PNKKLEKSSS[Ala58=]SDVFEHLLAE